The following is an entry in ClinVar:

ClinVar aggregate classification (germline): Uncertain significance. Review status: criteria provided, multiple submitters, no conflicts (2 of 4 stars). 2 submissions from 2 submitters: Uncertain significance (2). Last evaluated 2023-08-25.

Conditions:
Hereditary cancer-predisposing syndrome. Also called: Neoplastic Syndromes, Hereditary; Tumor predisposition; Hereditary Cancer Syndrome; Hereditary neoplastic syndrome. Identifiers: Orphanet 140162, MedGen C0027672, MeSH D009386, MONDO:0015356.

Allele frequency attached by ClinVar (database versions not stated): gnomAD exomes below 0.00001; ExAC 0.00001.

Submissions (2):

Ambry Genetics
Classification: Uncertain significance for Hereditary cancer-predisposing syndrome. Last evaluated: 2023-08-25. Review status: criteria provided, single submitter. Criteria: Ambry Variant Classification Scheme 2023. Collection method: clinical testing. Allele origin: germline.
Comment: The p.I905R variant (also known as c.2714T>G), located in coding exon 16 of the RAD50 gene, results from a T to G substitution at nucleotide position 2714. The isoleucine at codon 905 is replaced by arginine, an amino acid with similar properties. This variant was not reported in population based cohorts in the following databases: Database of Single Nucleotide Polymorphisms (dbSNP), NHLBI Exome Sequencing Project (ESP), and 1000 Genomes Project. In the ESP, this variant was not observed in 6502 samples (13004 alleles) with coverage at this position. To date, this alteration has been detected with an allele frequency of approximately 0.001% (greater than 175000 alleles tested) in our clinical cohort. This amino acid position is highly conserved in available vertebrate species. In addition, this alteration is predicted to be deleterious by in silico analysis. Since supporting evidence is limited at this time, the clinical significance of this alteration remains unclear.

Labcorp Genetics (formerly Invitae), Labcorp
Classification: Uncertain significance for Hereditary cancer-predisposing syndrome. Last evaluated: 2021-12-30. Review status: criteria provided, single submitter. Criteria: Invitae Variant Classification Sherloc (09022015). Collection method: clinical testing. Allele origin: germline.
Comment: This sequence change replaces isoleucine, which is neutral and non-polar, with arginine, which is basic and polar, at codon 905 of the RAD50 protein (p.Ile905Arg). This variant is not present in population databases (gnomAD no frequency). This variant has not been reported in the literature in individuals affected with RAD50-related conditions. ClinVar contains an entry for this variant (Variation ID: 649041). Algorithms developed to predict the effect of missense changes on protein structure and function are either unavailable or do not agree on the potential impact of this missense change (SIFT: "Deleterious"; PolyPhen-2: "Probably Damaging"; Align-GVGD: "Class C0"). In summary, the available evidence is currently insufficient to determine the role of this variant in disease. Therefore, it has been classified as a Variant of Uncertain Significance.

NM_005732.4(RAD50):c.2714T>G (p.Ile905Arg)

Gene: RAD50 (RAD50 double strand break repair protein; plus strand). Cytogenetic location: 5q31.1.
Variant type: single nucleotide variant.
Coding change: c.2714T>G on transcript NM_005732.4 (MANE Select); coding-DNA position 2714, T replaced by G.
Protein change: p.Ile905Arg; replaces isoleucine 905 with arginine.
Molecular consequence: missense variant.
Genome position (GRCh38, 1-based): chr5:132,604,995, T>G. VCF-style: chr5-132604995-T-G. GRCh37 (hg19) VCF-style: chr5-131940687-T-G.
Other names: short protein forms I905R.
Identifiers: ClinVar variation 649041 (VCV000649041.11), dbSNP rs760372871, ClinGen allele CA3405441.